The following is an entry in ClinVar:

ClinVar aggregate classification (germline): Uncertain significance (1 of 4 stars; one submission).

Conditions:
Hereditary cancer-predisposing syndrome. Also called: Neoplastic Syndromes, Hereditary; Hereditary neoplastic syndrome; Hereditary Cancer Syndrome; Tumor predisposition. Identifiers: Orphanet 140162, MedGen C0027672, MeSH D009386, MONDO:0015356.

Submission:

Ambry Genetics
Classification: Uncertain significance for Hereditary cancer-predisposing syndrome. Last evaluated: 2026-09-09. Review status: criteria provided, single submitter. Criteria: Ambry Variant Classification Scheme 2023. Collection method: clinical testing. Allele origin: germline.
Comment: The p.K178T variant (also known as c.533A>C), located in coding exon 4 of the STK11 gene, results from an A to C substitution at nucleotide position 533. The lysine at codon 178 is replaced by threonine, an amino acid with similar properties. This amino acid position is highly conserved in available vertebrate species. In addition, this alteration is predicted to be deleterious by in silico analysis. Based on the available evidence, the clinical significance of this variant remains unclear.

NM_000455.5(STK11):c.533A>C (p.Lys178Thr)

Gene: STK11 (serine/threonine kinase 11; plus strand). Cytogenetic location: 19p13.3.
Variant type: single nucleotide variant.
Coding change: c.533A>C on transcript NM_000455.5 (MANE Select); coding-DNA position 533, A replaced by C.
Protein change: p.Lys178Thr; replaces lysine 178 with threonine.
Molecular consequence: missense variant.
Genome position (GRCh38, 1-based): chr19:1,220,441, A>C. VCF-style: chr19-1220441-A-C. GRCh37 (hg19) VCF-style: chr19-1220440-A-C.
Other names: short protein forms K178T.
Identifiers: ClinVar variation 485001 (VCV000485001.6), dbSNP rs1555738225, ClinGen allele CA402949063.